The following is an entry in ClinVar:

ClinVar aggregate classification (germline): Uncertain significance. Review status: criteria provided, multiple submitters, no conflicts (2 of 4 stars). 2 submissions from 2 submitters: Uncertain significance (2). Last evaluated 2025-01-15.

Conditions:
Inborn genetic diseases. Identifiers: MedGen C0950123, MeSH D030342.

Allele frequency attached by ClinVar (database versions not stated): TOPMed below 0.00001; gnomAD 0.00001.
gnomAD v4.1: 12 of 1,613,704 alleles (0.00074%); highest among the groups gnomAD compares: South Asian, 0.0055%; no homozygotes.

Submissions (2):

Ambry Genetics
Classification: Uncertain significance for Inborn genetic diseases. Last evaluated: 2025-01-15. Review status: criteria provided, single submitter. Criteria: Ambry Variant Classification Scheme 2023. Collection method: clinical testing. Allele origin: germline.

Labcorp Genetics (formerly Invitae), Labcorp
Classification: Uncertain significance. Last evaluated: 2022-12-06. Review status: criteria provided, single submitter. Criteria: Invitae Variant Classification Sherloc (09022015). Collection method: clinical testing. Allele origin: germline.
Comment: This variant is present in population databases (no rsID available, gnomAD 0.002%). This sequence change replaces arginine, which is basic and polar, with glutamine, which is neutral and polar, at codon 218 of the NSUN3 protein (p.Arg218Gln). ClinVar contains an entry for this variant (Variation ID: 1484815). This variant has not been reported in the literature in individuals affected with NSUN3-related conditions. Algorithms developed to predict the effect of missense changes on protein structure and function (SIFT, PolyPhen-2, Align-GVGD) all suggest that this variant is likely to be disruptive. In summary, the available evidence is currently insufficient to determine the role of this variant in disease. Therefore, it has been classified as a Variant of Uncertain Significance.

NM_022072.5(NSUN3):c.653G>A (p.Arg218Gln)

Gene: NSUN3 (NOP2/Sun RNA methyltransferase 3; plus strand). Cytogenetic location: 3q11.2.
Variant type: single nucleotide variant.
Coding change: c.653G>A on transcript NM_022072.5 (MANE Select); coding-DNA position 653, G replaced by A.
Protein change: p.Arg218Gln; replaces arginine 218 with glutamine.
Molecular consequence: missense variant.
Genome position (GRCh38, 1-based): chr3:94,095,064, G>A. VCF-style: chr3-94095064-G-A. GRCh37 (hg19) VCF-style: chr3-93813908-G-A.
Other names: c.653G>A (NM_022072.3); short protein forms R218Q.
Identifiers: ClinVar variation 1484815 (VCV001484815.7), dbSNP rs1347790163, ClinGen allele CA353705372.
Genomic context (GRCh38, chr3:94,095,064, plus strand): 5'-TTTGCATCACTTGTCTTTTTTTTCTCTAGGTGTTAGTGGATGCTCCGTGTTCAAATGATC[G>A]AAGCTGGTTGTTTTCTTCTGACTCTCAGAAGGCATCCTGTAGGATAAGTCAAAGGAGGAA-3'
Protein context (NP_071355.1, residues 208-228): VLVDAPCSND[Arg218Gln]SWLFSSDSQK